The following is an entry in ClinVar:

NM_020987.5(ANK3):c.8401G>A (p.Val2801Ile)

Gene: ANK3 (ankyrin 3; minus strand). Cytogenetic location: 10q21.2.
Variant type: single nucleotide variant.
Coding change: c.8401G>A on transcript NM_020987.5 (MANE Select); coding-DNA position 8401, G replaced by A.
Protein change: p.Val2801Ile; replaces valine 2801 with isoleucine.
Molecular consequence: missense variant. On other transcripts: intron variant (4).
Genome position (GRCh38, 1-based): chr10:60,072,480, C>T on the plus strand (G>A on the coding strand, the complement: ANK3 is on the minus strand). VCF-style: chr10-60072480-C-T. GRCh37 (hg19) VCF-style: chr10-61832238-C-T.
Other names: c.4388-4471G>A (NM_001204403.2); c.4409-4471G>A (NM_001204404.2); c.4406-4471G>A (NM_001320874.2); c.1808-4471G>A (NM_001149.4); short protein forms V2801I.
Identifiers: ClinVar variation 2009413 (VCV002009413.4), dbSNP rs2492542734, ClinGen allele CA377007898.
Genomic context (GRCh38, chr10:60,072,480, plus strand): 5'-TTGCTTTACTTGACATTTCAGTTCTCTGTTTTTTCACATTATCAGAGCCAGAATCATTTA[C>T]AACAATTTCGTTGCTTTGGGCATGCTCATCTTTGGTTTTTAATACCATAAAATCTTTTTG-3'
Protein context (NP_066267.2, residues 2791-2811): DEHAQSNEIV[Val2801Ile]NDSGSDNVKK

ClinVar aggregate classification (germline): Uncertain significance (1 of 4 stars; one submission).

Allele frequency attached by ClinVar (database versions not stated): gnomAD exomes below 0.00001.
gnomAD v4.1: 1 of 1,614,020 alleles (0.000062%); highest among the groups gnomAD compares: Non-Finnish European, 0.000085%; no homozygotes.

Submission:

Labcorp Genetics (formerly Invitae), Labcorp
Classification: Uncertain significance. Last evaluated: 2024-04-16. Review status: criteria provided, single submitter. Criteria: Invitae Variant Classification Sherloc (09022015). Collection method: clinical testing. Allele origin: germline.
Comment: This sequence change replaces valine, which is neutral and non-polar, with isoleucine, which is neutral and non-polar, at codon 2801 of the ANK3 protein (p.Val2801Ile). This variant is not present in population databases (gnomAD no frequency). This variant has not been reported in the literature in individuals affected with ANK3-related conditions. ClinVar contains an entry for this variant (Variation ID: 2009413). An algorithm developed to predict the effect of missense changes on protein structure and function (PolyPhen-2) suggests that this variant is likely to be tolerated. In summary, the available evidence is currently insufficient to determine the role of this variant in disease. Therefore, it has been classified as a Variant of Uncertain Significance.